The following is an entry in ClinVar:

NM_001082486.2(ACD):c.556G>A (p.Val186Met)

Gene: ACD (ACD shelterin complex subunit and telomerase recruitment factor; minus strand). Cytogenetic location: 16q22.1.
Variant type: single nucleotide variant.
Coding change: c.556G>A on transcript NM_001082486.2 (MANE Select); coding-DNA position 556, G replaced by A.
Protein change: p.Val186Met; replaces valine 186 with methionine.
Molecular consequence: missense variant.
Genome position (GRCh38, 1-based): chr16:67,659,017, C>T on the plus strand (G>A on the coding strand, the complement: ACD is on the minus strand). VCF-style: chr16-67659017-C-T. GRCh37 (hg19) VCF-style: chr16-67692920-C-T.
Other names: c.556G>A, p.Val186Met (NM_001410884.1); c.547G>A, p.Val183Met (NM_022914.3); short protein forms V186M, V183M.
Identifiers: ClinVar variation 2736368 (VCV002736368.3), dbSNP rs780989111, ClinGen allele CA8114623.

ClinVar aggregate classification (germline): Uncertain significance (1 of 4 stars; one submission).

Conditions:
Dyskeratosis congenita, autosomal dominant 6 (DKCA6). Identifiers: Orphanet 3322, MedGen C4225284, MONDO:0014690, OMIM 616553.

Allele frequency attached by ClinVar (database versions not stated): gnomAD 0.00001; gnomAD exomes 0.00003; ExAC 0.00002.

Submission:

Labcorp Genetics (formerly Invitae), Labcorp
Classification: Uncertain significance for Dyskeratosis congenita, autosomal dominant 6. Last evaluated: 2025-09-28. Review status: criteria provided, single submitter. Criteria: Invitae Variant Classification Sherloc (09022015). Collection method: clinical testing. Allele origin: germline.
Comment: This sequence change replaces valine, which is neutral and non-polar, with methionine, which is neutral and non-polar, at codon 272 of the ACD protein (p.Val272Met). This variant is present in population databases (rs780989111, gnomAD 0.02%). This missense change has been observed in individual(s) with cutaneous malignant melanoma (PMID: 25505254). ClinVar contains an entry for this variant (Variation ID: 2736368). Invitae Evidence Modeling of protein sequence and biophysical properties (such as structural, functional, and spatial information, amino acid conservation, physicochemical variation, residue mobility, and thermodynamic stability) indicates that this missense variant is not expected to disrupt ACD protein function with a negative predictive value of 80%. In summary, the available evidence is currently insufficient to determine the role of this variant in disease. Therefore, it has been classified as a Variant of Uncertain Significance.

Literature cited by the submitters: PubMed 25505254.